The following is an entry in ClinVar:

ClinVar aggregate classification (germline): Uncertain significance. Review status: criteria provided, multiple submitters, no conflicts (2 of 4 stars). 2 submissions from 2 submitters: Uncertain significance (2). Last evaluated 2026-02-03.

Allele frequency attached by ClinVar (database versions not stated): gnomAD exomes below 0.00001 and 0.00001; TOPMed 0.00001.
gnomAD v4.1: 7 of 1,613,020 alleles (0.00043%); highest among the groups gnomAD compares: South Asian, 0.0011%; no homozygotes.

Submissions (2):

Labcorp Genetics (formerly Invitae), Labcorp
Classification: Uncertain significance. Last evaluated: 2026-02-03. Review status: criteria provided, single submitter. Criteria: Invitae Variant Classification Sherloc (09022015). Collection method: clinical testing. Allele origin: germline.
Comment: This sequence change replaces arginine, which is basic and polar, with glutamine, which is neutral and polar, at codon 96 of the KLC2 protein (p.Arg96Gln). This variant is present in population databases (no rsID available, gnomAD 0.0009%). This variant has not been reported in the literature in individuals affected with KLC2-related conditions. ClinVar contains an entry for this variant (Variation ID: 1491124). An algorithm developed to predict the effect of missense changes on protein structure and function (PolyPhen-2) suggests that this variant is likely to be disruptive. In summary, the available evidence is currently insufficient to determine the role of this variant in disease. Therefore, it has been classified as a Variant of Uncertain Significance.

Ambry Genetics
Classification: Uncertain significance. Last evaluated: 2025-10-02. Review status: criteria provided, single submitter. Criteria: Ambry Variant Classification Scheme 2023. Collection method: clinical testing. Allele origin: germline.

NM_001318734.2(KLC2):c.287G>A (p.Arg96Gln)

Genes: KLC2 (kinesin light chain 2; plus strand), KLC2-AS1 (KLC2 antisense RNA 1; minus strand). Cytogenetic location: 11q13.2.
Variant type: single nucleotide variant.
Coding change: c.287G>A on transcript NM_001318734.2 (MANE Select); coding-DNA position 287, G replaced by A.
Protein change: p.Arg96Gln; replaces arginine 96 with glutamine.
Molecular consequence: missense variant. On other transcripts: intron variant (1).
Genome position (GRCh38, 1-based): chr11:66,261,800, G>A. VCF-style: chr11-66261800-G-A. GRCh37 (hg19) VCF-style: chr11-66029271-G-A.
Other names: c.287G>A (NM_001134775.1); c.287G>A, p.Arg96Gln (NM_001134775.2, NM_001134776.2, NM_022822.3); c.229-323G>A (NM_001134774.2); short protein forms R96Q.
Identifiers: ClinVar variation 1491124 (VCV001491124.9), dbSNP rs1194039330, ClinGen allele CA381391266.